The following is an entry in ClinVar:

ClinVar aggregate classification (germline): Conflicting classifications of pathogenicity. Review status: criteria provided, conflicting classifications (1 of 4 stars). 2 submissions from 2 submitters: Uncertain significance (1); Likely benign (1). Last evaluated 2026-03-27.

Allele frequency attached by ClinVar (database versions not stated): TOPMed below 0.00001.

Submissions (2):

Molecular Diagnostic Laboratory for Inherited Cardiovascular Disease, Montreal Heart Institute
Classification: Likely benign. Last evaluated: 2026-03-27. Review status: criteria provided, single submitter. Criteria: ACMG Guidelines, 2015. Collection method: clinical testing. Allele origin: germline. Affected: no.
Comment: BP1;BP4

Labcorp Genetics (formerly Invitae), Labcorp
Classification: Uncertain significance. Last evaluated: 2023-03-03. Review status: criteria provided, single submitter. Criteria: Invitae Variant Classification Sherloc (09022015). Collection method: clinical testing. Allele origin: germline.
Comment: This sequence change replaces glycine, which is neutral and non-polar, with aspartic acid, which is acidic and polar, at codon 324 of the ALPK3 protein (p.Gly324Asp). This variant is not present in population databases (gnomAD no frequency). This variant has not been reported in the literature in individuals affected with ALPK3-related conditions. An algorithm developed to predict the effect of missense changes on protein structure and function (PolyPhen-2) suggests that this variant is likely to be disruptive. In summary, the available evidence is currently insufficient to determine the role of this variant in disease. Therefore, it has been classified as a Variant of Uncertain Significance.

NM_020778.5(ALPK3):c.365G>A (p.Gly122Asp)

Gene: ALPK3 (alpha kinase 3; plus strand). Cytogenetic location: 15q25.3.
Variant type: single nucleotide variant.
Coding change: c.365G>A on transcript NM_020778.5 (MANE Select); coding-DNA position 365, G replaced by A.
Protein change: p.Gly122Asp; replaces glycine 122 with aspartic acid.
Molecular consequence: missense variant.
Genome position (GRCh38, 1-based): chr15:84,839,040, G>A. VCF-style: chr15-84839040-G-A. GRCh37 (hg19) VCF-style: chr15-85382271-G-A.
Other names: short protein forms G122D.
Identifiers: ClinVar variation 2804706 (VCV002804706.4), dbSNP rs1483975709, ClinGen allele CA393371916.
Genomic context (GRCh38, chr15:84,839,040, plus strand): 5'-GATACCCAGAGCCAGAGGTGACCTGGTACAAGGATGATACGGAGCTGGACCGCTACTGTG[G>A]CTTGCCAAAATATGAGATCACTCATCAGGGCAACCGCCACACACTGCAGCTGTACAGGTG-3'
Protein context (NP_065829.4, residues 112-132): KDDTELDRYC[Gly122Asp]LPKYEITHQG